The following is an entry in ClinVar:

NM_144997.7(FLCN):c.79G>A (p.Ala27Thr)

Gene: FLCN (folliculin; minus strand). Cytogenetic location: 17p11.2.
Variant type: single nucleotide variant.
Coding change: c.79G>A on transcript NM_144997.7 (MANE Select); coding-DNA position 79, G replaced by A.
Protein change: p.Ala27Thr; replaces alanine 27 with threonine.
Molecular consequence: missense variant.
Genome position (GRCh38, 1-based): chr17:17,228,059, C>T on the plus strand (G>A on the coding strand, the complement: FLCN is on the minus strand). VCF-style: chr17-17228059-C-T. GRCh37 (hg19) VCF-style: chr17-17131373-C-T.
Other names: c.79G>A, p.Ala27Thr (NM_001353229.2, NM_001353230.2, NM_001353231.2 and 1 more transcripts); short protein forms A27T.
Identifiers: ClinVar variation 1348461 (VCV001348461.10), dbSNP rs779449668, ClinGen allele CA8416524.

ClinVar aggregate classification (germline): Uncertain significance. Review status: criteria provided, multiple submitters, no conflicts (2 of 4 stars). 2 submissions from 2 submitters: Uncertain significance (2). Last evaluated 2025-08-27.

Conditions:
Hereditary cancer-predisposing syndrome. Also called: Hereditary Cancer Syndrome; Neoplastic Syndromes, Hereditary; Tumor predisposition; Hereditary neoplastic syndrome. Identifiers: Orphanet 140162, MedGen C0027672, MeSH D009386, MONDO:0015356.
Birt-Hogg-Dube syndrome. Also called: Birt Hogg Dubé syndrome. Identifiers: Orphanet 122, MedGen C0346010, MONDO:0800444.

Allele frequency attached by ClinVar (database versions not stated): ExAC 0.00002.
gnomAD v4.1: 9 of 1,613,746 alleles (0.00056%); highest among the groups gnomAD compares: Non-Finnish European, 0.00059%; no homozygotes.

Submissions (2):

Labcorp Genetics (formerly Invitae), Labcorp
Classification: Uncertain significance for Birt-Hogg-Dube syndrome. Last evaluated: 2025-08-27. Review status: criteria provided, single submitter. Criteria: Invitae Variant Classification Sherloc (09022015). Collection method: clinical testing. Allele origin: germline.
Comment: This sequence change replaces alanine, which is neutral and non-polar, with threonine, which is neutral and polar, at codon 27 of the FLCN protein (p.Ala27Thr). This variant is present in population databases (rs779449668, gnomAD 0.002%). This variant has not been reported in the literature in individuals affected with FLCN-related conditions. ClinVar contains an entry for this variant (Variation ID: 1348461). Invitae Evidence Modeling of protein sequence and biophysical properties (such as structural, functional, and spatial information, amino acid conservation, physicochemical variation, residue mobility, and thermodynamic stability) indicates that this missense variant is not expected to disrupt FLCN protein function with a negative predictive value of 80%. In summary, the available evidence is currently insufficient to determine the role of this variant in disease. Therefore, it has been classified as a Variant of Uncertain Significance.

Ambry Genetics
Classification: Uncertain significance for Hereditary cancer-predisposing syndrome. Last evaluated: 2025-04-03. Review status: criteria provided, single submitter. Criteria: Ambry Variant Classification Scheme 2023. Collection method: clinical testing. Allele origin: germline.
Comment: The p.A27T variant (also known as c.79G>A), located in coding exon 1 of the FLCN gene, results from a G to A substitution at nucleotide position 79. The alanine at codon 27 is replaced by threonine, an amino acid with similar properties. This amino acid position is not well conserved in available vertebrate species. In addition, the in silico prediction for this alteration is inconclusive. Since supporting evidence is limited at this time, the clinical significance of this alteration remains unclear.